The following is an entry in ClinVar:

NM_033118.4(MYLK2):c.143C>T (p.Pro48Leu)

Gene: MYLK2 (myosin light chain kinase 2; plus strand). Cytogenetic location: 20q11.21.
Variant type: single nucleotide variant.
Coding change: c.143C>T on transcript NM_033118.4 (MANE Select); coding-DNA position 143, C replaced by T.
Protein change: p.Pro48Leu; replaces proline 48 with leucine.
Molecular consequence: missense variant.
Genome position (GRCh38, 1-based): chr20:31,820,216, C>T. VCF-style: chr20-31820216-C-T. GRCh37 (hg19) VCF-style: chr20-30408019-C-T.
Other names: short protein forms P48L.
Identifiers: ClinVar variation 2738852 (VCV002738852.4), dbSNP rs2062244940, ClinGen allele CA408525009.

ClinVar aggregate classification (germline): Uncertain significance. Review status: criteria provided, multiple submitters, no conflicts (2 of 4 stars). 2 submissions from 2 submitters: Uncertain significance (2). Last evaluated 2025-03-23.

Conditions:
Hypertrophic cardiomyopathy 1 (CMH1). Also called: Familial hypertrophic cardiomyopathy 1; MYH7-Related Familial Hypertrophic Cardiomyopathy. Identifiers: MedGen C3495498, MONDO:0008647, OMIM 192600.

Allele frequency attached by ClinVar (database versions not stated): gnomAD exomes below 0.00001; gnomAD 0.00001.
gnomAD v4.1: 3 of 1,613,880 alleles (0.00019%); highest among the groups gnomAD compares: Non-Finnish European, 0.00025%; no homozygotes.

Submissions (2):

Ambry Genetics
Classification: Uncertain significance. Last evaluated: 2025-03-23. Review status: criteria provided, single submitter. Criteria: Ambry Variant Classification Scheme 2023. Collection method: clinical testing. Allele origin: germline.
Comment: The p.P48L variant (also known as c.143C>T), located in coding exon 2 of the MYLK2 gene, results from a C to T substitution at nucleotide position 143. The proline at codon 48 is replaced by leucine, an amino acid with similar properties. This amino acid position is conserved. In addition, this alteration is predicted to be tolerated by in silico analysis. Based on the available evidence, the clinical significance of this variant remains unclear.

Labcorp Genetics (formerly Invitae), Labcorp
Classification: Uncertain significance for Hypertrophic cardiomyopathy 1. Last evaluated: 2023-11-27. Review status: criteria provided, single submitter. Criteria: Invitae Variant Classification Sherloc (09022015). Collection method: clinical testing. Allele origin: germline.
Comment: This sequence change replaces proline, which is neutral and non-polar, with leucine, which is neutral and non-polar, at codon 48 of the MYLK2 protein (p.Pro48Leu). This variant is not present in population databases (gnomAD no frequency). This variant has not been reported in the literature in individuals affected with MYLK2-related conditions. Advanced modeling of protein sequence and biophysical properties (such as structural, functional, and spatial information, amino acid conservation, physicochemical variation, residue mobility, and thermodynamic stability) performed at Invitae indicates that this missense variant is not expected to disrupt MYLK2 protein function with a negative predictive value of 80%. In summary, the available evidence is currently insufficient to determine the role of this variant in disease. Therefore, it has been classified as a Variant of Uncertain Significance.